The following is an entry in ClinVar:

ClinVar aggregate classification (germline): Uncertain significance (1 of 4 stars; one submission).

gnomAD v4.1: 10 of 1,611,228 alleles (0.00062%); highest among the groups gnomAD compares: African/African-American, 0.0093%; no homozygotes.

Submission:

Women's Health and Genetics/Laboratory Corporation of America, LabCorp
Classification: Uncertain significance. Last evaluated: 2025-05-14. Review status: criteria provided, single submitter. Criteria: LabCorp Variant Classification Summary - May 2015. Collection method: clinical testing. Allele origin: germline.
Comment: Variant summary: NEDD4L c.1125+1G>A is located in a canonical splice-site and is predicted to affect mRNA splicing resulting in a significantly altered protein due to either exon skipping, shortening, or inclusion of intronic material. Variants that disrupt the consensus splice site are a relatively common cause of aberrant splicing, however current evidence is not sufficient to establish loss of function in NEDD4L as a mechanism for disease. Several computational tools predict a significant impact on normal splicing: Four predict the variant abolishes a 5' splicing donor site. However, these predictions have yet to be confirmed by functional studies. The variant allele was found at a frequency of 6.2e-06 in 1611228 control chromosomes. This frequency is not significantly higher than estimated for a pathogenic variant in NEDD4L causing Periventricular Nodular Heterotopia 7, allowing no conclusion about variant significance. To our knowledge, no occurrence of c.1125+1G>A in individuals affected with Periventricular Nodular Heterotopia 7 and no experimental evidence demonstrating its impact on protein function have been reported. No submitters have cited clinical-significance assessments for this variant to ClinVar. Based on the evidence outlined above, the variant was classified as uncertain significance.

NM_001144967.3(NEDD4L):c.1125+1G>A

Gene: NEDD4L (NEDD4 like E3 ubiquitin protein ligase; plus strand). Cytogenetic location: 18q21.31.
Variant type: single nucleotide variant.
Coding change: c.1125+1G>A on transcript NM_001144967.3 (MANE Select); the canonical splice donor site of the intron after coding-DNA position 1125, G replaced by A.
Molecular consequence: splice donor variant. On other transcripts: intron variant (5).
Genome position (GRCh38, 1-based): chr18:58,335,538, G>A. VCF-style: chr18-58335538-G-A. GRCh37 (hg19) VCF-style: chr18-56002770-G-A.
Other names: c.1065+1646G>A (NM_015277.6, NM_001243960.2); c.762+1G>A (NM_001144964.1, NM_001144965.2, NM_001144966.3); c.702+1646G>A (NM_001144971.2, NM_001144970.3); c.1101+1G>A (NM_001144968.2); c.1041+1646G>A (NM_001144969.2).
Identifiers: ClinVar variation 3902211 (VCV003902211.1).
Genomic context (GRCh38, chr18:58,335,538, plus strand): 5'-CCCAGTGCCCCAGCTGGGAGAGCGCGTTCATCAACTGTCACGGGTGGTGAGGAACCAACG[G>A]TAATGATCCACTTTATCAGACATCAATAGCAAGAGGCCGTGAGGCAGTTTTAATATTTCG-3'